The following is an entry in ClinVar:

ClinVar aggregate classification (germline): Uncertain significance (1 of 4 stars; one submission).

gnomAD v4.1: 1 of 1,576,924 alleles (0.000063%); highest among the groups gnomAD compares: South Asian, 0.0011%; no homozygotes.

Submission:

GeneDx
Classification: Uncertain significance. Last evaluated: 2026-02-15. Review status: criteria provided, single submitter. Criteria: GeneDx Variant Classification Process June 2021. Collection method: clinical testing. Allele origin: germline.
Comment: In silico analysis suggests this variant may impact gene splicing. In the absence of RNA/functional studies, the actual effect of this sequence change is unknown.; No data available from control populations to assess the frequency of this variant; Has not been previously published as pathogenic or benign to our knowledge

NM_016169.4(SUFU):c.182+83G>A

Gene: SUFU (SUFU negative regulator of hedgehog signaling; plus strand). Cytogenetic location: 10q24.32.
Variant type: single nucleotide variant.
Coding change: c.182+83G>A on transcript NM_016169.4 (MANE Select); 83 bases into the intron after coding-DNA position 182, G replaced by A.
Molecular consequence: intron variant.
Genome position (GRCh38, 1-based): chr10:102,504,417, G>A. VCF-style: chr10-102504417-G-A. GRCh37 (hg19) VCF-style: chr10-104264174-G-A.
Other names: c.182+83G>A (NM_001178133.2).
Identifiers: ClinVar variation 5009188 (VCV005009188.1).